The following is an entry in ClinVar:

NM_003072.5(SMARCA4):c.2247G>A (p.Met749Ile)

Gene: SMARCA4 (SWI/SNF related BAF chromatin remodeling complex subunit ATPase 4; plus strand). Cytogenetic location: 19p13.2.
Variant type: single nucleotide variant.
Coding change: c.2247G>A on transcript NM_003072.5 (MANE Select); coding-DNA position 2247, G replaced by A.
Protein change: p.Met749Ile; replaces methionine 749 with isoleucine.
Molecular consequence: missense variant. On other transcripts: non-coding transcript variant (1).
Genome position (GRCh38, 1-based): chr19:11,010,504, G>A. VCF-style: chr19-11010504-G-A. GRCh37 (hg19) VCF-style: chr19-11121180-G-A.
Other names: c.2247G>A, p.Met749Ile (NM_001128844.3, NM_001128845.2, NM_001128846.2 and 4 more transcripts); short protein forms M749I.
Identifiers: ClinVar variation 916106 (VCV000916106.2), dbSNP rs2088721594, ClinGen allele CA404052919.

ClinVar aggregate classification (germline): Conflicting classifications of pathogenicity. Review status: criteria provided, conflicting classifications (1 of 4 stars). 2 submissions from 2 submitters: Uncertain significance (1); Likely benign (1). Last evaluated 2025-11-23.

Conditions:
Rhabdoid tumor predisposition syndrome 2 (RTPS2). Identifiers: Orphanet 231108, Orphanet 69077, MedGen C2750074, MONDO:0013224, OMIM 613325.

Submissions (2):

Labcorp Genetics (formerly Invitae), Labcorp
Classification: Uncertain significance for Rhabdoid tumor predisposition syndrome 2. Last evaluated: 2025-11-23. Review status: criteria provided, single submitter. Criteria: Invitae Variant Classification Sherloc (09022015). Collection method: clinical testing. Allele origin: germline.
Comment: This sequence change replaces methionine, which is neutral and non-polar, with isoleucine, which is neutral and non-polar, at codon 749 of the SMARCA4 protein (p.Met749Ile). This variant is not present in population databases (gnomAD no frequency). This variant has not been reported in the literature in individuals affected with SMARCA4-related conditions. ClinVar contains an entry for this variant (Variation ID: 916106). Invitae Evidence Modeling of protein sequence and biophysical properties (such as structural, functional, and spatial information, amino acid conservation, physicochemical variation, residue mobility, and thermodynamic stability) indicates that this missense variant is expected to disrupt SMARCA4 protein function with a positive predictive value of 95%. In summary, the available evidence is currently insufficient to determine the role of this variant in disease. Therefore, it has been classified as a Variant of Uncertain Significance.

Laboratory of Molecular Genetics (Pr. Bezieau's lab), CHU de Nantes
Classification: Likely benign. Last evaluated: 2019-09-02. Review status: criteria provided, single submitter. Criteria: ACMG Guidelines, 2015. Collection method: clinical testing. Allele origin: germline. Affected: yes.